The following is an entry in ClinVar:

ClinVar aggregate classification (germline): Benign/Likely benign. Review status: criteria provided, multiple submitters, no conflicts (2 of 4 stars). 4 submissions from 4 submitters: Benign (3); Likely benign (1). Last evaluated 2025-12-17.

Allele frequency attached by ClinVar (database versions not stated): 1000 Genomes Project 30x 0.00016; 1000 Genomes Project 0.00020; gnomAD 0.00098 and 0.00103; TOPMed 0.00103; ESP Exome Variant Server 0.00123; gnomAD exomes 0.00147.
gnomAD v4.1: 1,242 of 1,607,210 alleles (0.077%); highest among the groups gnomAD compares: Middle Eastern, 0.05%; 12 homozygotes.

Submissions (4):

Labcorp Genetics (formerly Invitae), Labcorp
Classification: Benign. Last evaluated: 2025-12-17. Review status: criteria provided, single submitter. Criteria: Invitae Variant Classification Sherloc (09022015). Collection method: clinical testing. Allele origin: germline.

Blueprint Genetics
Classification: Likely benign. Last evaluated: 2024-10-14. Review status: criteria provided, single submitter. Criteria: ACMG Guidelines, 2015. Collection method: clinical testing. Allele origin: germline.

Laboratory for Molecular Medicine, Mass General Brigham Personalized Medicine
Classification: Benign. Last evaluated: 2019-09-13. Review status: criteria provided, single submitter. Criteria: LMM Criteria. Collection method: clinical testing. Allele origin: germline. Observed: 1 variant allele.
Comment: The p.Arg331Gln variant in CLIC5 is classified as benign because it has been identified in 3% (315/10342) of Ashkenazi Jewish chromosomes by gnomAD. Furthermore, >5 mammals (Chinese tree shrew, Lesser Egyptian jerboa, Prarie vole, Chinese hamster, golden hamster, mouse and rat) carry a glutamine (Gln) at this position despite high nearby amino acid conservation. ACMG/AMP Criteria applied: BA1, BP4_Strong.

GeneDx
Classification: Benign. Last evaluated: 2018-11-27. Review status: criteria provided, single submitter. Criteria: GeneDx Variant Classification Process June 2021. Collection method: clinical testing. Allele origin: germline. Affected: yes.

NM_016929.5(CLIC5):c.515G>A (p.Arg172Gln)

Gene: CLIC5 (CLIC family member 5; minus strand). Cytogenetic location: 6p21.1.
Variant type: single nucleotide variant.
Coding change: c.515G>A on transcript NM_016929.5 (MANE Select); coding-DNA position 515, G replaced by A.
Protein change: p.Arg172Gln; replaces arginine 172 with glutamine.
Molecular consequence: missense variant. On other transcripts: non-coding transcript variant (3).
Genome position (GRCh38, 1-based): chr6:45,914,301, C>T on the plus strand (G>A on the coding strand, the complement: CLIC5 is on the minus strand). VCF-style: chr6-45914301-C-T. GRCh37 (hg19) VCF-style: chr6-45882038-C-T.
Other names: c.992G>A, p.Arg331Gln (NM_001114086.2, NM_001370650.1); c.515G>A, p.Arg172Gln (NM_001256023.2); c.398G>A, p.Arg133Gln (NM_001370649.1); short protein forms R133Q, R172Q, R331Q.
Identifiers: ClinVar variation 929957 (VCV000929957.15), dbSNP rs145681060, ClinGen allele CA3836749.